The following is an entry in ClinVar:

ClinVar aggregate classification (germline): Uncertain significance (1 of 4 stars; one submission).

Conditions:
Norman-Roberts syndrome (LIS2). Also called: Lissencephaly 2 (Norman-Roberts type). Identifiers: Orphanet 89844, MedGen C0796089, MONDO:0009760, OMIM 257320.
Familial temporal lobe epilepsy 7. Identifiers: Orphanet 101046, MedGen C4225327, MONDO:0014639, OMIM 616436.

Allele frequency attached by ClinVar (database versions not stated): gnomAD exomes 0.00001 and 0.00002; TOPMed 0.00001; ExAC 0.00002.
gnomAD v4.1: 10 of 1,613,980 alleles (0.00062%); highest among the groups gnomAD compares: Admixed American, 0.0033%; no homozygotes.

Submission:

Labcorp Genetics (formerly Invitae), Labcorp
Classification: Uncertain significance for Familial temporal lobe epilepsy 7; Norman-Roberts syndrome. Last evaluated: 2024-02-29. Review status: criteria provided, single submitter. Criteria: Invitae Variant Classification Sherloc (09022015). Collection method: clinical testing. Allele origin: germline.
Comment: This sequence change replaces alanine, which is neutral and non-polar, with valine, which is neutral and non-polar, at codon 2547 of the RELN protein (p.Ala2547Val). This variant is present in population databases (rs770539689, gnomAD 0.006%). This variant has not been reported in the literature in individuals affected with RELN-related conditions. ClinVar contains an entry for this variant (Variation ID: 840156). Advanced modeling of protein sequence and biophysical properties (such as structural, functional, and spatial information, amino acid conservation, physicochemical variation, residue mobility, and thermodynamic stability) performed at Invitae indicates that this missense variant is not expected to disrupt RELN protein function with a negative predictive value of 80%. In summary, the available evidence is currently insufficient to determine the role of this variant in disease. Therefore, it has been classified as a Variant of Uncertain Significance.

NM_005045.4(RELN):c.7640C>T (p.Ala2547Val)

Gene: RELN (reelin; minus strand). Cytogenetic location: 7q22.1.
Variant type: single nucleotide variant.
Coding change: c.7640C>T on transcript NM_005045.4 (MANE Select); coding-DNA position 7640, C replaced by T.
Protein change: p.Ala2547Val; replaces alanine 2547 with valine.
Molecular consequence: missense variant.
Genome position (GRCh38, 1-based): chr7:103,522,050, G>A on the plus strand (C>T on the coding strand, the complement: RELN is on the minus strand). VCF-style: chr7-103522050-G-A. GRCh37 (hg19) VCF-style: chr7-103162497-G-A.
Other names: c.7640C>T, p.Ala2547Val (NM_173054.3); short protein forms A2547V.
Identifiers: ClinVar variation 840156 (VCV000840156.9), dbSNP rs770539689, ClinGen allele CA4420695.
Genomic context (GRCh38, chr7:103,522,050, plus strand): 5'-CAGAAATGAGTAACCAGCAGCCAAACACTCACCCCACTGAAATGGAGAGCCATTCCCGAC[G>A]CCACGGCTCCACACACTGTACTCAATTTCCCTCCGTTCACAGTCAGCCAGTTCTGACTGG-3'
Protein context (NP_005036.2, residues 2537-2557): GKLSTVCGAV[Ala2547Val]SGMALHFSGG